The following is an entry in ClinVar:

NM_000243.3(MEFV):c.1530T>A (p.Asp510Glu)

Gene: MEFV (MEFV innate immunity regulator, pyrin; minus strand). Cytogenetic location: 16p13.3.
Variant type: single nucleotide variant.
Coding change: c.1530T>A on transcript NM_000243.3 (MANE Select); coding-DNA position 1530, T replaced by A.
Protein change: p.Asp510Glu; replaces aspartic acid 510 with glutamic acid.
Molecular consequence: missense variant.
Genome position (GRCh38, 1-based): chr16:3,247,073, A>T on the plus strand (T>A on the coding strand, the complement: MEFV is on the minus strand). VCF-style: chr16-3247073-A-T. GRCh37 (hg19) VCF-style: chr16-3297073-A-T.
Other names: c.897T>A, p.Asp299Glu (NM_001198536.2); short protein forms D299E, D510E.
Identifiers: ClinVar variation 845724 (VCV000845724.9), dbSNP rs224206, ClinGen allele CA394463527.

ClinVar aggregate classification (germline): Uncertain significance (1 of 4 stars; one submission).

Conditions:
Familial Mediterranean fever (FMF). Also called: POLYSEROSITIS, FAMILIAL PAROXYSMAL; POLYSEROSITIS, RECURRENT; Periodic peritonitis; Benign paroxysmal peritonitis. Identifiers: Orphanet 342, MedGen C0031069, MONDO:0018088, OMIM 249100. Disease mechanism: gain of function.

Submission:

Labcorp Genetics (formerly Invitae), Labcorp
Classification: Uncertain significance for Familial Mediterranean fever. Last evaluated: 2019-11-22. Review status: criteria provided, single submitter. Criteria: Invitae Variant Classification Sherloc (09022015). Collection method: clinical testing. Allele origin: germline.
Comment: In summary, the available evidence is currently insufficient to determine the role of this variant in disease. Therefore, it has been classified as a Variant of Uncertain Significance. Algorithms developed to predict the effect of sequence changes on RNA splicing suggest that this variant may create or strengthen a splice site, but this prediction has not been confirmed by published transcriptional studies. Algorithms developed to predict the effect of missense changes on protein structure and function output the following: SIFT: "Tolerated"; PolyPhen-2: "Benign"; Align-GVGD: "Class C0". The glutamic acid amino acid residue is found in multiple mammalian species, suggesting that this missense change does not adversely affect protein function. These predictions have not been confirmed by published functional studies and their clinical significance is uncertain. This variant has not been reported in the literature in individuals with MEFV-related conditions. This variant is not present in population databases (ExAC no frequency). This sequence change replaces aspartic acid with glutamic acid at codon 510 of the MEFV protein (p.Asp510Glu). The aspartic acid residue is moderately conserved and there is a small physicochemical difference between aspartic acid and glutamic acid.